The following is an entry in ClinVar:

NM_001142800.2(EYS):c.3862dup (p.Tyr1288fs)

Gene: EYS (EGF-like photoreceptor maintenance factor; minus strand). Cytogenetic location: 6q12.
Variant type: Duplication.
Coding change: c.3862dup on transcript NM_001142800.2 (MANE Select); coding-DNA position 3862, one base duplicated (T; older notation c.3862dupT).
Protein change: p.Tyr1288fs; shifts the reading frame from tyrosine 1288.
Molecular consequence: frameshift variant.
Genome position (GRCh38, 1-based): chr6:64,593,132, A duplicated on the plus strand (T on the coding strand, the reverse complement: EYS is on the minus strand); the first of 2 consecutive A bases (chr6:64,593,132-64,593,133); duplicating either gives the same sequence. VCF-style (leftmost placement, unchanged base first): chr6-64593131-T-TA. GRCh37 (hg19) VCF-style: chr6-65303024-T-TA.
Other names: c.3862dup, p.Tyr1288fs (NM_001292009.2); short protein forms Y1288fs.
Identifiers: ClinVar variation 1072357 (VCV001072357.8), dbSNP rs2149833264, ClinGen allele CA2499218457.
Genomic context (GRCh38, chr6:64,593,131, plus strand): 5'-CTTTTTCAAACTCAAACTTCTTAATATCTTACCCACTTCTACTTACCTTGATCAACTGGG[T>TA]AAGTGTCCATTATGGCTGGTATTCTAGTAGCCTTTATAGATGGAAAGCTGCTGACCAAAG-3'

ClinVar aggregate classification (germline): Pathogenic/Likely pathogenic. Review status: criteria provided, multiple submitters, no conflicts (2 of 4 stars). 2 submissions from 2 submitters: Pathogenic (1); Likely pathogenic (1). Last evaluated 2025-10-15.

Conditions:
Retinitis pigmentosa 25 (RP25). Identifiers: Orphanet 791, MedGen C1864446, MONDO:0011272, OMIM 602772.

Submissions (2):

Labcorp Genetics (formerly Invitae), Labcorp
Classification: Pathogenic. Last evaluated: 2025-10-15. Review status: criteria provided, single submitter. Criteria: Invitae Variant Classification Sherloc (09022015). Collection method: clinical testing. Allele origin: germline.
Comment: This sequence change creates a premature translational stop signal (p.Tyr1288Leufs*4) in the EYS gene. It is expected to result in an absent or disrupted protein product. Loss-of-function variants in EYS are known to be pathogenic (PMID: 18836446, 20333770). This variant is not present in population databases (gnomAD no frequency). This variant has not been reported in the literature in individuals affected with EYS-related conditions. ClinVar contains an entry for this variant (Variation ID: 1072357). For these reasons, this variant has been classified as Pathogenic.

Baylor Genetics
Classification: Likely pathogenic for Retinitis pigmentosa 25. Last evaluated: 2023-03-27. Review status: criteria provided, single submitter. Criteria: ACMG Guidelines, 2015. Collection method: clinical testing. Allele origin: unknown.

Literature cited by the submitters: PubMed 18836446 (cited by Labcorp Genetics (formerly Invitae), Labcorp); PubMed 20333770 (cited by Labcorp Genetics (formerly Invitae), Labcorp).